The following is an entry in ClinVar:

ClinVar aggregate classification (germline): Likely pathogenic (1 of 4 stars; one submission).

Submission:

Dasa
Classification: Likely pathogenic. Last evaluated: 2025-08-18. Review status: criteria provided, single submitter. Criteria: DASA Assertion Criteria. Collection method: clinical testing. Allele origin: germline.
Comment: NM_000525.4(KCNJ11):c.215T>A (p.Leu72*) introduces a premature termination codon predicted to result in loss of normal protein function. Loss-of-function is an established mechanism of disease for this gene. The variant is present at low frequency in population datasets. Based on the available data, this variant is classified as likely pathogenic.

NM_000525.4(KCNJ11):c.215T>A (p.Leu72Ter)

Gene: KCNJ11 (potassium inwardly rectifying channel subfamily J member 11; minus strand). Cytogenetic location: 11p15.1.
Variant type: single nucleotide variant.
Coding change: c.215T>A on transcript NM_000525.4 (MANE Select); coding-DNA position 215, T replaced by A.
Protein change: p.Leu72Ter; replaces leucine 72 with a stop codon.
Molecular consequence: nonsense. On other transcripts: intron variant (3).
Genome position (GRCh38, 1-based): chr11:17,387,877, A>T on the plus strand (T>A on the coding strand, the complement: KCNJ11 is on the minus strand). VCF-style: chr11-17387877-A-T. GRCh37 (hg19) VCF-style: chr11-17409424-A-T.
Other names: c.-16-31T>A (NM_001166290.2, NM_001377297.1, NM_001377296.1); short protein forms L72*.
Identifiers: ClinVar variation 4851787 (VCV004851787.1).